The following is an entry in ClinVar:

ClinVar aggregate classification (germline): Likely pathogenic (1 of 4 stars; one submission).

Conditions:
Hermansky-Pudlak syndrome 3 (HPS3). Identifiers: Orphanet 231512, Orphanet 79430, MedGen C3888001, MONDO:0013555, OMIM 614072.

Submission:

Myriad Genetics, Inc.
Classification: Likely pathogenic for Hermansky-Pudlak syndrome 3. Last evaluated: 2022-03-01. Review status: criteria provided, single submitter. Criteria: Myriad Women's Health Autosomal Recessive and X-Linked Classification Criteria (2021). Collection method: clinical testing. Allele origin: unknown.
Comment: NM_032383.3(HPS3):c.2086_2093del8(E696Kfs*59) is expected to be pathogenic in the context of Hermansky-Pudlak syndrome type 3. This variant is predicted to lead to an abnormal or absent protein product due to the creation of a premature termination codon in HPS3, a gene where loss-of-function variants are known to be pathogenic. Please note: this variant was assessed in the context of healthy population screening.

NM_032383.5(HPS3):c.2086_2093del (p.Glu696fs)

Gene: HPS3 (HPS3 biogenesis of lysosomal organelles complex 2 subunit 1; plus strand). Cytogenetic location: 3q24.
Variant type: Deletion.
Coding change: c.2086_2093del on transcript NM_032383.5 (MANE Select); coding-DNA positions 2086 to 2093, 8 bases deleted (GAAATGAA; older notation c.2086_2093delGAAATGAA).
Protein change: p.Glu696fs; shifts the reading frame from glutamic acid 696.
Molecular consequence: frameshift variant.
Genome position (GRCh38, 1-based): chr3:149,160,259-149,160,266, GAAATGAA deleted. VCF-style (leftmost placement, unchanged base first): chr3-149160258-TGAAATGAA-T. GRCh37 (hg19) VCF-style: chr3-148878045-TGAAATGAA-T.
Other names: c.1591_1598del, p.Glu531fs (NM_001308258.2); short protein forms E531fs, E696fs.
Identifiers: ClinVar variation 1724836 (VCV001724836.2), dbSNP rs2473114195, ClinGen allele CA2580068944.